The following is an entry in ClinVar:

NC_000002.12:g.(?_47379759)_(47379979_?)del

Gene: EPCAM (epithelial cell adhesion molecule; plus strand). Cytogenetic location: 2p21.
Variant type: Deletion.
Identifiers: ClinVar variation 833380 (VCV000833380.3).

ClinVar aggregate classification (germline): Uncertain significance (1 of 4 stars; one submission).

Submission:

Labcorp Genetics (formerly Invitae), Labcorp
Classification: Uncertain significance. Last evaluated: 2019-04-13. Review status: criteria provided, single submitter. Criteria: Invitae Variant Classification Sherloc (09022015). Collection method: clinical testing. Allele origin: germline.
Comment: In summary, the available evidence is currently insufficient to determine the role of this variant in disease. Therefore, it has been classified as a Variant of Uncertain Significance. Experimental studies and prediction algorithms are not available for this variant, and the functional significance of the affected amino acid(s) is currently unknown. This variant has not been reported in the literature in individuals with EPCAM-related conditions. This variant is an in-frame deletion of the genomic region encompassing exon 7 of the EPCAM gene. It preserves the integrity of the reading frame.